The following is an entry in ClinVar:

NM_012330.4(KAT6B):c.4000A>C (p.Ser1334Arg)

Gene: KAT6B (lysine acetyltransferase 6B; plus strand). Cytogenetic location: 10q22.2.
Variant type: single nucleotide variant.
Coding change: c.4000A>C on transcript NM_012330.4 (MANE Select); coding-DNA position 4000, A replaced by C.
Protein change: p.Ser1334Arg; replaces serine 1334 with arginine.
Molecular consequence: missense variant.
Genome position (GRCh38, 1-based): chr10:75,028,824, A>C. VCF-style: chr10-75028824-A-C. GRCh37 (hg19) VCF-style: chr10-76788582-A-C.
Other names: c.3451A>C, p.Ser1151Arg (NM_001256468.2, NM_001370138.1); c.3124A>C, p.Ser1042Arg (NM_001256469.2, NM_001370139.1, NM_001370140.1 and 2 more transcripts); c.2962A>C, p.Ser988Arg (NM_001370132.1); c.2311A>C, p.Ser771Arg (NM_001370133.1); c.1915A>C, p.Ser639Arg (NM_001370134.1); c.1657A>C, p.Ser553Arg (NM_001370135.1); c.4000A>C, p.Ser1334Arg (NM_001370136.1, NM_001370137.1); c.2935A>C, p.Ser979Arg (NM_001370143.1, NM_001370144.1); short protein forms S553R, S639R, S1042R, S1151R, S1334R, S979R, S988R, S771R.
Identifiers: ClinVar variation 4747784 (VCV004747784.1).

ClinVar aggregate classification (germline): Uncertain significance (1 of 4 stars; one submission).

Conditions:
Genitopatellar syndrome (GTPTS). Also called: Genitopatellar syndrome (GPS); ABSENT PATELLAE, SCROTAL HYPOPLASIA, RENAL ANOMALIES, FACIAL DYSMORPHISM, AND MENTAL RETARDATION. Identifiers: Orphanet 85201, MedGen C1853566, MONDO:0011640, OMIM 606170.

gnomAD v4.1: 30 of 1,614,010 alleles (0.0019%); highest among the groups gnomAD compares: Non-Finnish European, 0.0025%; no homozygotes.

Submission:

Labcorp Genetics (formerly Invitae), Labcorp
Classification: Uncertain significance for Genitopatellar syndrome. Last evaluated: 2025-02-06. Review status: criteria provided, single submitter. Criteria: Invitae Variant Classification Sherloc (09022015). Collection method: clinical testing. Allele origin: germline.
Comment: This sequence change replaces serine, which is neutral and polar, with arginine, which is basic and polar, at codon 1334 of the KAT6B protein (p.Ser1334Arg). This variant is present in population databases (rs754223525, gnomAD 0.02%). This variant has not been reported in the literature in individuals affected with KAT6B-related conditions. Invitae Evidence Modeling of protein sequence and biophysical properties (such as structural, functional, and spatial information, amino acid conservation, physicochemical variation, residue mobility, and thermodynamic stability) indicates that this missense variant is not expected to disrupt KAT6B protein function with a negative predictive value of 80%. In summary, the available evidence is currently insufficient to determine the role of this variant in disease. Therefore, it has been classified as a Variant of Uncertain Significance.